The following is an entry in ClinVar:

ClinVar aggregate classification (germline): Uncertain significance (1 of 4 stars; one submission).

Submission:

Labcorp Genetics (formerly Invitae), Labcorp
Classification: Uncertain significance. Last evaluated: 2025-10-05. Review status: criteria provided, single submitter. Criteria: Invitae Variant Classification Sherloc (09022015). Collection method: clinical testing. Allele origin: germline.
Comment: This variant, c.2195_2197dup, results in the insertion of 1 amino acid(s) of the RINT1 protein (p.Glu732dup), but otherwise preserves the integrity of the reading frame. This variant is not present in population databases (gnomAD no frequency). This variant has not been reported in the literature in individuals affected with RINT1-related conditions. In summary, the available evidence is currently insufficient to determine the role of this variant in disease. Therefore, it has been classified as a Variant of Uncertain Significance.

NM_021930.6(RINT1):c.2192AAG[3] (p.Glu732_Ala733insGlu)

Genes: EFCAB10 (EF-hand calcium binding domain 10; minus strand), RINT1 (RAD50 interactor 1; plus strand). Cytogenetic location: 7q22.3.
Variant type: Microsatellite.
Coding change: c.2192AAG[3] on transcript NM_021930.6 (MANE Select); three copies in a row of the 3-base unit AAG starting at c.2192; the reference has two copies in a row; one copy, 3 bases duplicated.
Protein change: p.Glu732_Ala733insGlu.
Molecular consequence: inframe insertion. On other transcripts: 3 prime UTR variant (2), non-coding transcript variant (1), intron variant (3).
Genome position (GRCh38, 1-based): chr7:105,567,127-105,567,129, AAG duplicated; duplicating any 3 consecutive bases within chr7:105,567,124-105,567,129 gives the same sequence; the position shown is the placement nearest the transcript's 3' end. VCF-style (leftmost placement, unchanged base first): chr7-105567123-A-AAAG. GRCh37 (hg19) VCF-style: chr7-105207570-A-AAAG.
Other names: c.*325CTT[3] (NM_001355527.2, NM_001355529.2); c.1958AAG[3], p.Glu654_Ala655insGlu (NM_001346599.2); c.1169AAG[3], p.Glu391_Ala392insGlu (NM_001346600.2, NM_001346603.2); c.1268AAG[3], p.Glu424_Ala425insGlu (NM_001346601.2); c.360-1682CTT[3] (NM_001355531.2); c.383+338CTT[3] (NM_001355526.2, NM_001355530.2).
Identifiers: ClinVar variation 4723991 (VCV004723991.1).